The following is an entry in ClinVar:

NM_017780.4(CHD7):c.7165-5A>G

Gene: CHD7 (chromodomain helicase DNA binding protein 7; plus strand). Cytogenetic location: 8q12.2.
Variant type: single nucleotide variant.
Coding change: c.7165-5A>G on transcript NM_017780.4 (MANE Select); 5 bases into the intron before coding-DNA position 7165, A replaced by G.
Molecular consequence: intron variant.
Genome position (GRCh38, 1-based): chr8:60,856,440, A>G. VCF-style: chr8-60856440-A-G. GRCh37 (hg19) VCF-style: chr8-61768999-A-G.
Other names: c.1717-5789A>G (NM_001316690.1).
Identifiers: ClinVar variation 286510 (VCV000286510.47), dbSNP rs376076407, ClinGen allele CA4760765.

ClinVar aggregate classification (germline): Benign/Likely benign. Review status: criteria provided, multiple submitters, no conflicts (2 of 4 stars). 10 submissions from 10 submitters: Benign (5); Likely benign (4). 1 of the submissions does not count toward it. Last evaluated 2025-11-18.

Conditions:
CHD7-related disorder. Also called: CHD7-related condition.
Inborn genetic diseases. Identifiers: MedGen C0950123, MeSH D030342.
CHARGE syndrome (CHARGE). Also called: Hittner Hirsch Kreh syndrome; Coloboma, heart anomaly, choanal atresia, retardation, genital and ear anomalies; CHARGE association; Hall-Hittner syndrome; CHARGE ASSOCIATION--COLOBOMA, HEART ANOMALY, CHOANAL ATRESIA, RETARDATION, GENITAL AND EAR ANOMALIES. Identifiers: Orphanet 138, MedGen C0265354, MONDO:0008965.
Hypogonadotropic hypogonadism 5 with or without anosmia (KAL5). Also called: CHD7-Related GnRH Deficiency (Kallmann Syndrome 5); HYPOGONADOTROPIC HYPOGONADISM 5 WITH ANOSMIA; HYPOGONADOTROPHIC HYPOGONADISM 5 WITHOUT ANOSMIA. Identifiers: Orphanet 478, MedGen C3552553, MONDO:0012880, OMIM 612370. Disease mechanism: loss of function.

Allele frequency attached by ClinVar (database versions not stated): gnomAD exomes 0.00007 and 0.00021; ExAC 0.00035; ESP Exome Variant Server 0.00059; gnomAD 0.00075 and 0.00078; TOPMed 0.00081; 1000 Genomes Project 0.00140; 1000 Genomes Project 30x 0.00141.
gnomAD v4.1: 216 of 1,603,034 alleles (0.013%); highest among the groups gnomAD compares: African/African-American, 0.26%; 1 homozygote.

Submissions (10):

Labcorp Genetics (formerly Invitae), Labcorp
Classification: Benign for CHARGE syndrome. Last evaluated: 2025-11-18. Review status: criteria provided, single submitter. Criteria: Invitae Variant Classification Sherloc (09022015). Collection method: clinical testing. Allele origin: germline.

CeGaT Center for Human Genetics Tuebingen
Classification: Likely benign. Last evaluated: 2024-05-01. Review status: criteria provided, single submitter. Criteria: CeGaT Center For Human Genetics Tuebingen Variant Classification Criteria Version 2. Collection method: clinical testing. Allele origin: germline. Affected: yes. Observed: 1 variant allele.
Comment: CHD7: BP4, BS1

Blueprint Genetics
Classification: Likely benign. Last evaluated: 2023-12-05. Review status: criteria provided, single submitter. Criteria: ACMG Guidelines, 2015. Collection method: clinical testing. Allele origin: germline.

Fulgent Genetics
Classification: Likely benign for CHD7-related CHARGE syndrome; Hypogonadotropic hypogonadism 5 with or without anosmia. Last evaluated: 2022-01-10. Review status: criteria provided, single submitter. Criteria: ACMG Guidelines, 2015. Collection method: clinical testing. Allele origin: unknown.

GeneDx
Classification: Benign. Last evaluated: 2019-01-08. Review status: criteria provided, single submitter. Criteria: GeneDx Variant Classification Process June 2021. Collection method: clinical testing. Allele origin: germline. Affected: yes.

Laboratory for Molecular Medicine, Mass General Brigham Personalized Medicine
Classification: Benign. Last evaluated: 2019-01-04. Review status: criteria provided, single submitter. Criteria: LMM Criteria. Collection method: clinical testing. Allele origin: germline. Observed: 2 variant alleles.
Comment: The c.7165-5A>G in CHD7 is classified as benign because it has been identified i n 0.26% (60/22870) of African chromosomes by gnomAD. ACMG/AMP Criteria applied: BA1.

Women's Health and Genetics/Laboratory Corporation of America, LabCorp
Classification: Benign. Last evaluated: 2017-07-17. Review status: criteria provided, single submitter. Criteria: LabCorp Variant Classification Summary - May 2015. Collection method: clinical testing. Allele origin: germline.
Comment: Variant summary: The CHD7 c.7165-5A>G variant involves the alteration of a conserved intronic nucleotide. One in silico tool predicts a damaging outcome for this variant. 4/5 splice prediction tools predict no significant impact on normal splicing. However, these predictions have yet to be confirmed by functional studies. This variant was found in 26/75142 control chromosomes at a frequency of 0.000346, which is approximately 277 times the estimated maximal expected allele frequency of a pathogenic CHD7 variant (0.0000013), suggesting this variant is likely a benign polymorphism. In addition, one other clinical diagnostic laboratory classified this variant as likely benign. The variant of interest has not, to our knowledge, been reported in affected individuals via publications, nor evaluated for functional impact by in vivo/vitro studies. Taken together, this variant is classified as benign.

Ambry Genetics
Classification: Benign for Inborn genetic diseases. Last evaluated: 2016-07-05. Review status: criteria provided, single submitter. Criteria: Ambry Variant Classification Scheme 2023. Collection method: clinical testing. Allele origin: germline.

Eurofins Ntd Llc (ga)
Classification: Likely benign. Last evaluated: 2016-03-18. Review status: criteria provided, single submitter. Criteria: EGL Classification Definitions 2015. Collection method: clinical testing. Allele origin: germline. Observed: 1 variant allele, 1 heterozygote.

PreventionGenetics, part of Exact Sciences
Classification: Likely benign for CHD7-related condition. Last evaluated: 2020-04-28. Review status: no assertion criteria provided. Collection method: clinical testing. Allele origin: germline. Not counted in ClinVar's aggregate classification.
Comment: This variant is classified as likely benign based on ACMG/AMP sequence variant interpretation guidelines (Richards et al. 2015 PMID: 25741868, with internal and published modifications).